The following is an entry in ClinVar:

NM_015909.4(NBAS):c.690C>G (p.Ser230Arg)

Gene: NBAS (NBAS subunit of NRZ tethering complex; minus strand). Cytogenetic location: 2p24.3.
Variant type: single nucleotide variant.
Coding change: c.690C>G on transcript NM_015909.4 (MANE Select); coding-DNA position 690, C replaced by G.
Protein change: p.Ser230Arg; replaces serine 230 with arginine.
Molecular consequence: missense variant. On other transcripts: non-coding transcript variant (1).
Genome position (GRCh38, 1-based): chr2:15,534,599, G>C on the plus strand (C>G on the coding strand, the complement: NBAS is on the minus strand). VCF-style: chr2-15534599-G-C. GRCh37 (hg19) VCF-style: chr2-15674723-G-C.
Other names: short protein forms S230R.
Identifiers: ClinVar variation 1468439 (VCV001468439.8), dbSNP rs2148680769, ClinGen allele CA345884808.

ClinVar aggregate classification (germline): Uncertain significance (1 of 4 stars; one submission).

Submission:

Labcorp Genetics (formerly Invitae), Labcorp
Classification: Uncertain significance. Last evaluated: 2020-12-28. Review status: criteria provided, single submitter. Criteria: Invitae Variant Classification Sherloc (09022015). Collection method: clinical testing. Allele origin: germline.
Comment: In summary, the available evidence is currently insufficient to determine the role of this variant in disease. Therefore, it has been classified as a Variant of Uncertain Significance. Algorithms developed to predict the effect of sequence changes on RNA splicing suggest that this variant may create or strengthen a splice site, but this prediction has not been confirmed by published transcriptional studies. Algorithms developed to predict the effect of missense changes on protein structure and function are either unavailable or do not agree on the potential impact of this missense change (SIFT: "Deleterious"; PolyPhen-2: "Benign"; Align-GVGD: "Class C65"). This variant has not been reported in the literature in individuals with NBAS-related conditions. This variant is not present in population databases (ExAC no frequency). This sequence change replaces serine with arginine at codon 230 of the NBAS protein (p.Ser230Arg). The serine residue is highly conserved and there is a moderate physicochemical difference between serine and arginine.